The following is an entry in ClinVar:

NM_152383.5(DIS3L2):c.172G>T (p.Asp58Tyr)

Gene: DIS3L2 (DIS3 like 3'-5' exoribonuclease 2; plus strand). Cytogenetic location: 2q37.1.
Variant type: single nucleotide variant.
Coding change: c.172G>T on transcript NM_152383.5 (MANE Select); coding-DNA position 172, G replaced by T.
Protein change: p.Asp58Tyr; replaces aspartic acid 58 with tyrosine.
Molecular consequence: missense variant. On other transcripts: non-coding transcript variant (2).
Genome position (GRCh38, 1-based): chr2:232,015,633, G>T. VCF-style: chr2-232015633-G-T. GRCh37 (hg19) VCF-style: chr2-232880343-G-T.
Other names: c.172G>T, p.Asp58Tyr (NM_001257281.2, NM_001257282.2); short protein forms D58Y.
Identifiers: ClinVar variation 2142164 (VCV002142164.4), dbSNP rs1000963300, ClinGen allele CA351152059.

ClinVar aggregate classification (germline): Uncertain significance (1 of 4 stars; one submission).

Conditions:
Perlman syndrome (PRLMNS). Identifiers: Orphanet 2849, MedGen C0796113, MONDO:0009965, OMIM 267000.

gnomAD v4.1: 9 of 1,613,930 alleles (0.00056%); highest among the groups gnomAD compares: Non-Finnish European, 0.00051%; no homozygotes.

Submission:

Labcorp Genetics (formerly Invitae), Labcorp
Classification: Uncertain significance for Perlman syndrome. Last evaluated: 2022-03-19. Review status: criteria provided, single submitter. Criteria: Invitae Variant Classification Sherloc (09022015). Collection method: clinical testing. Allele origin: germline.
Comment: Algorithms developed to predict the effect of sequence changes on RNA splicing suggest that this variant may disrupt the consensus splice site. In summary, the available evidence is currently insufficient to determine the role of this variant in disease. Therefore, it has been classified as a Variant of Uncertain Significance. Algorithms developed to predict the effect of missense changes on protein structure and function are either unavailable or do not agree on the potential impact of this missense change (SIFT: "Deleterious"; PolyPhen-2: "Possibly Damaging"; Align-GVGD: "Class C0"). This sequence change replaces aspartic acid, which is acidic and polar, with tyrosine, which is neutral and polar, at codon 58 of the DIS3L2 protein (p.Asp58Tyr). This variant is present in population databases (no rsID available, gnomAD 0.004%). This variant has not been reported in the literature in individuals affected with DIS3L2-related conditions.